The following is an entry in ClinVar:

ClinVar aggregate classification (germline): Uncertain significance (1 of 4 stars; one submission).

Conditions:
Emery-Dreifuss muscular dystrophy 4, autosomal dominant (EDMD4). Also called: EMERY-DREIFUSS MUSCULAR DYSTROPHY 4 WITH VARIABLE FEATURES. Identifiers: Orphanet 261, MedGen C2751807, MONDO:0013071, OMIM 612998.
Autosomal recessive ataxia, Beauce type. Also called: Spinocerebellar ataxia, autosomal recessive 8; ATAXIA, RECESSIVE, OF BEAUCE; SYNE1 Deficiency; SYNE1-Related Autosomal Recessive Cerebellar Ataxia. Identifiers: Orphanet 88644, MedGen C1853116, MONDO:0012549, OMIM 610743.

gnomAD v4.1: 11 of 1,614,182 alleles (0.00068%); highest among the groups gnomAD compares: Non-Finnish European, 0.00093%; no homozygotes.

Submission:

Labcorp Genetics (formerly Invitae), Labcorp
Classification: Uncertain significance for Emery-Dreifuss muscular dystrophy 4, autosomal dominant; Autosomal recessive ataxia, Beauce type. Last evaluated: 2022-01-28. Review status: criteria provided, single submitter. Criteria: Invitae Variant Classification Sherloc (09022015). Collection method: clinical testing. Allele origin: germline.
Comment: In summary, the available evidence is currently insufficient to determine the role of this variant in disease. Therefore, it has been classified as a Variant of Uncertain Significance. Algorithms developed to predict the effect of missense changes on protein structure and function (SIFT, PolyPhen-2, Align-GVGD) all suggest that this variant is likely to be tolerated. This variant has not been reported in the literature in individuals affected with SYNE1-related conditions. This variant is not present in population databases (gnomAD no frequency). This sequence change replaces serine, which is neutral and polar, with asparagine, which is neutral and polar, at codon 4248 of the SYNE1 protein (p.Ser4248Asn).

NM_182961.4(SYNE1):c.12956G>A (p.Ser4319Asn)

Gene: SYNE1 (spectrin repeat containing nuclear envelope protein 1; minus strand). Cytogenetic location: 6q25.2.
Variant type: single nucleotide variant.
Coding change: c.12956G>A on transcript NM_182961.4 (MANE Select); coding-DNA position 12956, G replaced by A.
Protein change: p.Ser4319Asn; replaces serine 4319 with asparagine.
Molecular consequence: missense variant.
Genome position (GRCh38, 1-based): chr6:152,331,729, C>T on the plus strand (G>A on the coding strand, the complement: SYNE1 is on the minus strand). VCF-style: chr6-152331729-C-T. GRCh37 (hg19) VCF-style: chr6-152652864-C-T.
Other names: c.12743G>A, p.Ser4248Asn (NM_033071.5); short protein forms S4248N, S4319N.
Identifiers: ClinVar variation 1412673 (VCV001412673.6), dbSNP rs2153974889, ClinGen allele CA366104663.